The following is an entry in ClinVar:

NM_004168.4(SDHA):c.896-20_896-18delinsGTG

Gene: SDHA (succinate dehydrogenase complex flavoprotein subunit A; plus strand). Cytogenetic location: 5p15.33.
Variant type: Indel.
Coding change: c.896-20_896-18delinsGTG on transcript NM_004168.4 (MANE Select); 20 bases into the intron before coding-DNA position 896 through 18 bases into the intron before coding-DNA position 896, ATA replaced by GTG.
Molecular consequence: intron variant.
Genome position (GRCh38, 1-based): chr5:233,457-233,459, ATA replaced by GTG. VCF-style: chr5-233457-ATA-GTG. GRCh37 (hg19) VCF-style: chr5-233572-ATA-GTG.
Other names: c.896-20_896-18delinsGTG (NM_001330758.2); c.752-20_752-18delinsGTG (NM_001294332.2).
Identifiers: ClinVar variation 3904525 (VCV003904525.1).

ClinVar aggregate classification (germline): Likely benign (1 of 4 stars; one submission).

Conditions:
Pheochromocytoma/paraganglioma syndrome 5. Also called: Paragangliomas 5; SDHA-Related Hereditary Paraganglioma-Pheochromocytoma Syndrome. Identifiers: Orphanet 29072, MedGen C3279992, MONDO:0013602, OMIM 614165.

Submission:

Myriad Genetics, Inc.
Classification: Likely benign for Pheochromocytoma/paraganglioma syndrome 5. Last evaluated: 2025-03-03. Review status: criteria provided, single submitter. Criteria: Myriad Autosomal Dominant, Autosomal Recessive and X-Linked Classification Criteria (2023). Collection method: clinical testing. Allele origin: unknown.
Comment: This variant is considered likely benign. This variant is intronic and is not expected to impact mRNA splicing.